The following is an entry in ClinVar:

NM_000218.3(KCNQ1):c.1519C>T (p.Arg507Trp)

Gene: KCNQ1 (potassium voltage-gated channel subfamily Q member 1; plus strand). Cytogenetic location: 11p15.5.
Variant type: single nucleotide variant.
Coding change: c.1519C>T on transcript NM_000218.3 (MANE Select); coding-DNA position 1519, C replaced by T.
Protein change: p.Arg507Trp; replaces arginine 507 with tryptophan.
Molecular consequence: missense variant.
Genome position (GRCh38, 1-based): chr11:2,768,848, C>T. VCF-style: chr11-2768848-C-T. GRCh37 (hg19) VCF-style: chr11-2790078-C-T.
Other names: c.1423C>T, p.Arg475Trp (NM_001406836.1); c.1249C>T, p.Arg417Trp (NM_001406837.1); c.979C>T, p.Arg327Trp (NM_001406838.1); c.1138C>T, p.Arg380Trp (NM_181798.2); short protein forms R327W, R475W, R507W, R380W, R417W.
Identifiers: ClinVar variation 4614404 (VCV004614404.1).

ClinVar aggregate classification (germline): Uncertain significance (1 of 4 stars; one submission).

Conditions:
Cardiovascular phenotype. Identifiers: MedGen CN230736.

gnomAD v4.1: 5 of 1,613,664 alleles (0.00031%); highest among the groups gnomAD compares: African/African-American, 0.0027%; no homozygotes.

Submission:

Ambry Genetics
Classification: Uncertain significance for Cardiovascular phenotype. Last evaluated: 2025-09-23. Review status: criteria provided, single submitter. Criteria: Ambry Variant Classification Scheme 2023. Collection method: clinical testing. Allele origin: germline.
Comment: The p.R507W variant (also known as c.1519C>T), located in coding exon 12 of the KCNQ1 gene, results from a C to T substitution at nucleotide position 1519. The arginine at codon 507 is replaced by tryptophan, an amino acid with dissimilar properties. This amino acid position is not well conserved in available vertebrate species. In addition, the in silico prediction for this alteration is inconclusive. Based on the available evidence, the clinical significance of this variant remains unclear.